The following is an entry in ClinVar:

NM_182641.4(BPTF):c.6283C>A (p.Gln2095Lys)

Gene: BPTF (bromodomain PHD finger transcription factor; plus strand). Cytogenetic location: 17q24.2.
Variant type: single nucleotide variant.
Coding change: c.6283C>A on transcript NM_182641.4 (MANE Select); coding-DNA position 6283, C replaced by A.
Protein change: p.Gln2095Lys; replaces glutamine 2095 with lysine.
Molecular consequence: missense variant.
Genome position (GRCh38, 1-based): chr17:67,940,462, C>A. VCF-style: chr17-67940462-C-A. GRCh37 (hg19) VCF-style: chr17-65936578-C-A.
Other names: c.6661C>A, p.Gln2221Lys (NM_004459.7); short protein forms Q2221K, Q2095K.
Identifiers: ClinVar variation 1810481 (VCV001810481.1), dbSNP rs1568126386, ClinGen allele CA400720775.

ClinVar aggregate classification (germline): Uncertain significance (1 of 4 stars; one submission).

Submission:

GeneDx
Classification: Uncertain significance. Last evaluated: 2022-07-07. Review status: criteria provided, single submitter. Criteria: GeneDx Variant Classification Process June 2021. Collection method: clinical testing. Allele origin: germline. Affected: yes.
Comment: Not observed at significant frequency in large population cohorts (gnomAD); In silico analysis supports that this missense variant does not alter protein structure/function; Has not been previously published as pathogenic or benign to our knowledge